The following is an entry in ClinVar:

NM_012123.4(MTO1):c.648del (p.Gln216fs)

Gene: MTO1 (mitochondrial tRNA translation optimization 1; plus strand). Cytogenetic location: 6q13.
Variant type: Deletion.
Coding change: c.648del on transcript NM_012123.4 (MANE Select); coding-DNA position 648, one base deleted (G; older notation c.648delG).
Protein change: p.Gln216fs; shifts the reading frame from glutamine 216.
Molecular consequence: frameshift variant.
Genome position (GRCh38, 1-based): chr6:73,473,477, G deleted. VCF-style (leftmost placement, unchanged base first): chr6-73473476-AG-A. GRCh37 (hg19) VCF-style: chr6-74183199-AG-A.
Other names: c.648del, p.Gln216fs (NM_001123226.2, NM_133645.3); short protein forms Q216fs.
Identifiers: ClinVar variation 2832033 (VCV002832033.3), dbSNP rs2533261091, ClinGen allele CA2679392149.

ClinVar aggregate classification (germline): Pathogenic (1 of 4 stars; one submission).

Conditions:
Mitochondrial hypertrophic cardiomyopathy with lactic acidosis due to MTO1 deficiency. Also called: CARDIOMYOPATHY, INFANTILE HYPERTROPHIC MITOCHONDRIAL, AND LACTIC ACIDOSIS; Combined oxidative phosphorylation deficiency 10. Identifiers: Orphanet 314637, MedGen C4749921, MONDO:0013865, OMIM 614702.

Allele frequency attached by ClinVar (database versions not stated): gnomAD exomes below 0.00001.

Submission:

Labcorp Genetics (formerly Invitae), Labcorp
Classification: Pathogenic for Mitochondrial hypertrophic cardiomyopathy with lactic acidosis due to MTO1 deficiency. Last evaluated: 2023-01-26. Review status: criteria provided, single submitter. Criteria: Invitae Variant Classification Sherloc (09022015). Collection method: clinical testing. Allele origin: germline.
Comment: This sequence change creates a premature translational stop signal (p.Gln216Hisfs*4) in the MTO1 gene. It is expected to result in an absent or disrupted protein product. Loss-of-function variants in MTO1 are known to be pathogenic (PMID: 22608499, 25058219). This variant is not present in population databases (gnomAD no frequency). This variant has not been reported in the literature in individuals affected with MTO1-related conditions. For these reasons, this variant has been classified as Pathogenic.

Literature cited by the submitters: PubMed 22608499; PubMed 25058219.